The following is an entry in ClinVar:

NM_002206.3(ITGA7):c.791-7C>T

Gene: ITGA7 (integrin subunit alpha 7; minus strand). Cytogenetic location: 12q13.2.
Variant type: single nucleotide variant.
Coding change: c.791-7C>T on transcript NM_002206.3 (MANE Select); 7 bases into the intron before coding-DNA position 791, C replaced by T.
Molecular consequence: intron variant.
Genome position (GRCh38, 1-based): chr12:55,698,924, G>A on the plus strand (C>T on the coding strand, the complement: ITGA7 is on the minus strand). VCF-style: chr12-55698924-G-A. GRCh37 (hg19) VCF-style: chr12-56092708-G-A.
Other names: c.512-7C>T (NM_001144997.2); c.464-7C>T (NM_001367993.1); c.452-7C>T (NM_001414035.1); c.608-7C>T (NM_001414033.1); c.-502-7C>T (NM_001367994.1); c.671-7C>T (NM_001414032.1); c.791-7C>T (NM_001414031.1, NM_001374465.1, NM_001414034.1); c.803-7C>T (NM_001414030.1, NM_001414029.1, NM_001144996.2); and 1 more.
Identifiers: ClinVar variation 211212 (VCV000211212.48), dbSNP rs144699549, ClinGen allele CA206920.

ClinVar aggregate classification (germline): Benign/Likely benign. Review status: criteria provided, multiple submitters, no conflicts (2 of 4 stars). 7 submissions from 7 submitters: Benign (3); Likely benign (3). 1 of the submissions does not count toward it. Last evaluated 2026-02-01.

Conditions:
ITGA7-related disorder. Also called: ITGA7-related condition.
Congenital muscular dystrophy due to integrin alpha-7 deficiency. Also called: Congenital muscular dystrophy with integrin alpha-7 deficiency; Muscular dystrophy, congenital, due to ITGA7 deficiency; MYOPATHY, CONGENITAL, DUE TO INTEGRIN ALPHA-7 DEFICIENCY. Identifiers: Orphanet 34520, MedGen C2750786, MONDO:0013177, OMIM 613204.

Allele frequency attached by ClinVar (database versions not stated): gnomAD exomes 0.00068 and 0.00301; gnomAD 0.00087 and 0.00101; TOPMed 0.00171; 1000 Genomes Project 0.00280; 1000 Genomes Project 30x 0.00281; ExAC 0.00351.
gnomAD v4.1: 1,224 of 1,603,618 alleles (0.076%); highest among the groups gnomAD compares: Admixed American, 1%; 12 homozygotes.

Submissions (7):

Labcorp Genetics (formerly Invitae), Labcorp
Classification: Benign for Congenital muscular dystrophy due to integrin alpha-7 deficiency. Last evaluated: 2026-02-01. Review status: criteria provided, single submitter. Criteria: Invitae Variant Classification Sherloc (09022015). Collection method: clinical testing. Allele origin: germline.

CeGaT Center for Human Genetics Tuebingen
Classification: Benign. Last evaluated: 2023-09-01. Review status: criteria provided, single submitter. Criteria: CeGaT Center For Human Genetics Tuebingen Variant Classification Criteria Version 2. Collection method: clinical testing. Allele origin: germline. Affected: yes. Observed: 1 variant allele.
Comment: ITGA7: BP4, BS1, BS2

GeneDx
Classification: Likely benign. Last evaluated: 2016-06-22. Review status: criteria provided, single submitter. Criteria: GeneDx Variant Classification (06012015). Collection method: clinical testing. Allele origin: germline. Affected: yes.
Comment: This variant is considered likely benign or benign based on one or more of the following criteria: it is a conservative change, it occurs at a poorly conserved position in the protein, it is predicted to be benign by multiple in silico algorithms, and/or has population frequency not consistent with disease.

Eurofins Ntd Llc (ga)
Classification: Benign. Last evaluated: 2015-10-26. Review status: criteria provided, single submitter. Criteria: EGL Classification Definitions 2015. Collection method: clinical testing. Allele origin: germline. Observed: 1 variant allele, 1 heterozygote.

Genetic Services Laboratory, University of Chicago
Classification: Likely benign. Last evaluated: 2014-10-14. Review status: criteria provided, single submitter. Criteria: ACMG Guidelines, 2015. Collection method: clinical testing. Allele origin: germline.

Breakthrough Genomics
Classification: Likely benign. Review status: criteria provided, single submitter. Criteria: ACMG Guidelines, 2015. Collection method: not provided. Allele origin: germline. Inheritance: Autosomal recessive inheritance. Affected: yes.

PreventionGenetics, part of Exact Sciences
Classification: Benign for ITGA7-related condition. Last evaluated: 2020-10-27. Review status: no assertion criteria provided. Collection method: clinical testing. Allele origin: germline. Not counted in ClinVar's aggregate classification.
Comment: This variant is classified as benign based on ACMG/AMP sequence variant interpretation guidelines (Richards et al. 2015 PMID: 25741868, with internal and published modifications).